The following is an entry in ClinVar:

NM_152443.3(RDH12):c.521C>T (p.Ser174Phe)

Genes: GPHN (gephyrin; plus strand), RDH12 (retinol dehydrogenase 12; plus strand). Cytogenetic location: 14q24.1.
Variant type: single nucleotide variant.
Coding change: c.521C>T on transcript NM_152443.3 (MANE Select); coding-DNA position 521, C replaced by T.
Protein change: p.Ser174Phe; replaces serine 174 with phenylalanine.
Molecular consequence: missense variant.
Genome position (GRCh38, 1-based): chr14:67,727,053, C>T. VCF-style: chr14-67727053-C-T. GRCh37 (hg19) VCF-style: chr14-68193770-C-T.
Other names: short protein forms S174F.
Identifiers: ClinVar variation 1370077 (VCV001370077.6), dbSNP rs1388761778, ClinGen allele CA390150878.

ClinVar aggregate classification (germline): Uncertain significance (1 of 4 stars; one submission).

Conditions:
Leber congenital amaurosis 13 (LCA13). Identifiers: MedGen C2675186, MONDO:0012990, OMIM 612712.

Submission:

Labcorp Genetics (formerly Invitae), Labcorp
Classification: Uncertain significance for Leber congenital amaurosis 13. Last evaluated: 2024-01-19. Review status: criteria provided, single submitter. Criteria: Invitae Variant Classification Sherloc (09022015). Collection method: clinical testing. Allele origin: germline.
Comment: This sequence change replaces serine, which is neutral and polar, with phenylalanine, which is neutral and non-polar, at codon 174 of the RDH12 protein (p.Ser174Phe). This variant is not present in population databases (gnomAD no frequency). This missense change has been observed in individuals with clinical features of autosomal recessive RDH12-related conditions (Invitae). ClinVar contains an entry for this variant (Variation ID: 1370077). Advanced modeling of protein sequence and biophysical properties (such as structural, functional, and spatial information, amino acid conservation, physicochemical variation, residue mobility, and thermodynamic stability) performed at Invitae indicates that this missense variant is expected to disrupt RDH12 protein function with a positive predictive value of 80%. In summary, the available evidence is currently insufficient to determine the role of this variant in disease. Therefore, it has been classified as a Variant of Uncertain Significance.